The following is an entry in ClinVar:

NM_203447.4(DOCK8):c.4223C>G (p.Ala1408Gly)

Gene: DOCK8 (dedicator of cytokinesis 8; plus strand). Cytogenetic location: 9p24.3.
Variant type: single nucleotide variant.
Coding change: c.4223C>G on transcript NM_203447.4 (MANE Select); coding-DNA position 4223, C replaced by G.
Protein change: p.Ala1408Gly; replaces alanine 1408 with glycine.
Molecular consequence: missense variant.
Genome position (GRCh38, 1-based): chr9:422,117, C>G. VCF-style: chr9-422117-C-G. GRCh37 (hg19) VCF-style: chr9-422117-C-G.
Other names: c.3923C>G, p.Ala1308Gly (NM_001190458.2); c.4019C>G, p.Ala1340Gly (NM_001193536.2); short protein forms A1308G, A1340G, A1408G.
Identifiers: ClinVar variation 1687201 (VCV001687201.1), dbSNP rs2131649115, ClinGen allele CA372764868.

ClinVar aggregate classification (germline): Uncertain significance (1 of 4 stars; one submission).

Conditions:
Combined immunodeficiency due to DOCK8 deficiency (HIES2). Also called: HYPER-IgE RECURRENT INFECTION SYNDROME 2, AUTOSOMAL RECESSIVE; HYPER-IgE SYNDROME 2, AUTOSOMAL RECESSIVE, WITH RECURRENT INFECTIONS; HIES autosomal recessive; DOCK8 Deficiency; Hyper-IgE recurrent infection syndrome, autosomal recessive. Identifiers: Orphanet 217390, MedGen C4722305, MONDO:0009478, OMIM 243700.

Submission:

3billion
Classification: Uncertain significance for Combined immunodeficiency due to DOCK8 deficiency. Last evaluated: 2022-05-22. Review status: criteria provided, single submitter. Criteria: ACMG Guidelines, 2015. Collection method: clinical testing. Allele origin: germline. Affected: yes. Observed: 1 homozygote.
Comment: The variant is not observed in the gnomAD v2.1.1 dataset. Protein truncation variants are a common disease-causing mechanism. Missense variant predicted to alter splicing. In silico tools predict the variant to alter splicing and produce an abnormal transcript (SpliceAI: 0.87). Therefore, this variant is classified as uncertain significanceaccording to the recommendation of ACMG/AMP guideline.